The following is an entry in ClinVar:

ClinVar aggregate classification (germline): Pathogenic/Likely pathogenic. Review status: criteria provided, multiple submitters, no conflicts (2 of 4 stars). 8 submissions from 8 submitters: Pathogenic (4); Likely pathogenic (2). 2 of the submissions do not count toward it. Last evaluated 2025-07-16.

Conditions:
IVD-related disorder. Also called: IVD-related condition.
Isovaleric acidemia, type III. Identifiers: MedGen C4017057.
Isovaleryl-CoA dehydrogenase deficiency (IVA). Also called: ISOVALERIC ACID CoA DEHYDROGENASE DEFICIENCY; IVD DEFICIENCY; Isovaleric acidemia; Classic Isovaleric Acidemia. Identifiers: Orphanet 33, MedGen C0268575, MONDO:0009475, OMIM 243500.

Submissions (8):

Labcorp Genetics (formerly Invitae), Labcorp
Classification: Pathogenic for Isovaleryl-CoA dehydrogenase deficiency. Last evaluated: 2025-07-16. Review status: criteria provided, single submitter. Criteria: Invitae Variant Classification Sherloc (09022015). Collection method: clinical testing. Allele origin: germline.
Comment: This sequence change creates a premature translational stop signal (p.Leu397Phefs*9) in the IVD gene. While this is not anticipated to result in nonsense mediated decay, it is expected to disrupt the last 30 amino acid(s) of the IVD protein. This variant is present in population databases (rs753807321, gnomAD 0.01%). This premature translational stop signal has been observed in individuals with IVA (PMID: 2063866). ClinVar contains an entry for this variant (Variation ID: 188993). Algorithms developed to predict the effect of variants on gene product structure and function are not available or were not evaluated for this variant. Experimental studies have shown that this premature translational stop signal affects IVD function (PMID: 10713113). This variant disrupts a region of the IVD protein in which other variant(s) (p.Glu411Lys) have been observed in individuals with IVD-related conditions (PMID: 22960500). This suggests that this is a clinically significant region of the protein, and that variants that disrupt it are likely to be disease-causing. For these reasons, this variant has been classified as Pathogenic.

Natera, Inc.
Classification: Likely pathogenic for Isovaleryl-coa dehydrogenase deficiency. Last evaluated: 2025-03-20. Review status: criteria provided, single submitter. Criteria: Natera Variant Classification Schema (03/2026). Collection method: clinical testing. Allele origin: germline.
Comment: The c.1188delT variant in IVD is a frameshift variant predicted to shift the reading frame beginning at codon 397 and leads to a stop codon 9 codons downstream. This variant is expected to result in nonsense mediated decay, truncation, or a dysfunctional protein product. This variant is rare in the general population with a frequency below the threshold expected for the associated phenotype(s). Given the available evidence, this variant is classified as Likely Pathogenic.

Baylor Genetics
Classification: Pathogenic for Isovaleryl-CoA dehydrogenase deficiency. Last evaluated: 2024-03-20. Review status: criteria provided, single submitter. Criteria: ACMG Guidelines, 2015. Collection method: clinical testing. Allele origin: unknown.

Greenwood Genetic Center Diagnostic Laboratories, Greenwood Genetic Center
Classification: Pathogenic for Isovaleryl-CoA dehydrogenase deficiency. Last evaluated: 2023-02-05. Review status: criteria provided, single submitter. Criteria: ACMG Guidelines, 2015. Collection method: clinical testing. Allele origin: germline. Affected: yes.
Comment: PVS1, PS3, PM2, PM3, PP4

Blueprint Genetics
Classification: Pathogenic for IVD-related disorders. Last evaluated: 2022-08-31. Review status: criteria provided, single submitter. Criteria: ACMG Guidelines, 2015. Collection method: clinical testing. Allele origin: germline. Affected: yes. Observed: 3 variant alleles.

Eurofins Ntd Llc (ga)
Classification: Likely pathogenic. Last evaluated: 2016-07-14. Review status: criteria provided, single submitter. Criteria: EGL Classification Definitions 2015. Collection method: clinical testing. Allele origin: germline. Observed: 1 variant allele, 1 heterozygote.

Counsyl
Classification: Likely pathogenic for Isovaleryl-CoA dehydrogenase deficiency. Last evaluated: 2014-09-30. Review status: no assertion criteria provided. Collection method: literature only. Allele origin: unknown. Inheritance: Autosomal recessive inheritance. Not counted in ClinVar's aggregate classification.

OMIM
Classification: Pathogenic for ISOVALERIC ACIDEMIA, TYPE III. Last evaluated: 1991-07-01. Review status: no assertion criteria provided. Collection method: literature only. Allele origin: germline. Not counted in ClinVar's aggregate classification.

Literature cited by the submitters: PubMed 2063866 (cited by 3 submitters); PubMed 10713113 (cited by Labcorp Genetics (formerly Invitae), Labcorp and Counsyl); PubMed 22960500 (cited by Labcorp Genetics (formerly Invitae), Labcorp).

NM_002225.5(IVD):c.1179del (p.Leu394fs)

Gene: IVD (isovaleryl-CoA dehydrogenase; plus strand). Cytogenetic location: 15q15.1.
Variant type: Deletion.
Coding change: c.1179del on transcript NM_002225.5 (MANE Select); coding-DNA position 1179, one base deleted (T; older notation c.1179delT).
Protein change: p.Leu394fs; shifts the reading frame from leucine 394.
Molecular consequence: frameshift variant. On other transcripts: intron variant (3).
Genome position (GRCh38, 1-based): chr15:40,418,170, T deleted; the last of 3 consecutive T bases (chr15:40,418,168-40,418,170); deleting any one gives the same sequence. VCF-style (leftmost placement, unchanged base first): chr15-40418167-CT-C. GRCh37 (hg19) VCF-style: chr15-40710366-CT-C.
Other names: c.1089del, p.Leu364fs (NM_001159508.3); c.1131del, p.Leu378fs (NM_001354597.3); c.1266del, p.Leu423fs (NM_001354599.3); c.1225+1808del (NM_001354600.3); c.1138+1808del (NM_001354598.3, NM_001354601.3); c.1188del (NM_002225.3); short protein forms L364fs, L378fs, L394fs, L423fs.
Identifiers: ClinVar variation 188993 (VCV000188993.22), dbSNP rs786204613, ClinGen allele CA274225.